The following is an entry in ClinVar:

ClinVar aggregate classification (germline): Uncertain significance (1 of 4 stars; one submission).

Submission:

GeneDx
Classification: Uncertain significance. Last evaluated: 2026-03-19. Review status: criteria provided, single submitter. Criteria: GeneDx Variant Classification Process June 2021. Collection method: clinical testing. Allele origin: germline.
Comment: Not observed at significant frequency in large population cohorts (gnomAD); In silico analysis supports that this missense variant has a deleterious effect on protein structure/function; Has not been previously published as pathogenic or benign to our knowledge

NM_006565.4(CTCF):c.1708A>G (p.Met570Val)

Gene: CTCF (CCCTC-binding factor; plus strand). Cytogenetic location: 16q22.1.
Variant type: single nucleotide variant.
Coding change: c.1708A>G on transcript NM_006565.4 (MANE Select); coding-DNA position 1708, A replaced by G.
Protein change: p.Met570Val; replaces methionine 570 with valine.
Molecular consequence: missense variant.
Genome position (GRCh38, 1-based): chr16:67,629,404, A>G. VCF-style: chr16-67629404-A-G. GRCh37 (hg19) VCF-style: chr16-67663307-A-G.
Other names: c.724A>G, p.Met242Val (NM_001191022.2); c.1708A>G, p.Met570Val (NM_001363916.2, NM_001438968.1, NM_001438969.1); short protein forms M242V, M570V.
Identifiers: ClinVar variation 5017052 (VCV005017052.1).